The following is an entry in ClinVar:

ClinVar aggregate classification (germline): Likely benign (1 of 4 stars; one submission).

gnomAD v4.1: 2 of 1,613,060 alleles (0.00012%); highest among the groups gnomAD compares: South Asian, 0.0011%; no homozygotes.

Submission:

CeGaT Center for Human Genetics Tuebingen
Classification: Likely benign. Last evaluated: 2023-03-01. Review status: criteria provided, single submitter. Criteria: CeGaT Center For Human Genetics Tuebingen Variant Classification Criteria Version 2. Collection method: clinical testing. Allele origin: germline. Affected: yes. Observed: 1 variant allele.
Comment: ANKRD50: PM2:Supporting, BP4, BP7

NM_020337.3(ANKRD50):c.3588A>G (p.Ser1196=)

Gene: ANKRD50 (ankyrin repeat domain 50; minus strand). Cytogenetic location: 4q28.1.
Variant type: single nucleotide variant.
Coding change: c.3588A>G on transcript NM_020337.3 (MANE Select); coding-DNA position 3588, A replaced by G.
Protein change: p.Ser1196=; no amino-acid change (serine 1196 retained).
Molecular consequence: synonymous variant.
Genome position (GRCh38, 1-based): chr4:124,669,689, T>C on the plus strand (A>G on the coding strand, the complement: ANKRD50 is on the minus strand). VCF-style: chr4-124669689-T-C. GRCh37 (hg19) VCF-style: chr4-125590844-T-C.
Other names: c.3051A>G, p.Ser1017= (NM_001167882.2).
Identifiers: ClinVar variation 2655073 (VCV002655073.24), dbSNP rs139202658, ClinGen allele CA3071151.